The following is an entry in ClinVar:

ClinVar aggregate classification (germline): Uncertain significance (1 of 4 stars; one submission).

gnomAD v4.1: 12 of 1,614,260 alleles (0.00074%); highest among the groups gnomAD compares: Admixed American, 0.0033%; no homozygotes.

Submission:

Labcorp Genetics (formerly Invitae), Labcorp
Classification: Uncertain significance. Last evaluated: 2025-04-14. Review status: criteria provided, single submitter. Criteria: Invitae Variant Classification Sherloc (09022015). Collection method: clinical testing. Allele origin: germline.
Comment: This sequence change replaces leucine, which is neutral and non-polar, with methionine, which is neutral and non-polar, at codon 15 of the DNAJC17 protein (p.Leu15Met). This variant is present in population databases (rs373968674, gnomAD 0.003%). This variant has not been reported in the literature in individuals affected with DNAJC17-related conditions. An algorithm developed to predict the effect of missense changes on protein structure and function (PolyPhen-2) suggests that this variant is likely to be disruptive. In summary, the available evidence is currently insufficient to determine the role of this variant in disease. Therefore, it has been classified as a Variant of Uncertain Significance.

NM_018163.3(DNAJC17):c.43C>A (p.Leu15Met)

Genes: DNAJC17 (DnaJ heat shock protein family (Hsp40) member C17; minus strand), ZFYVE19 (zinc finger FYVE-type containing 19; plus strand), LOC130056871 (ATAC-STARR-seq lymphoblastoid active region 9265; plus strand). Cytogenetic location: 15q15.1.
Variant type: single nucleotide variant.
Coding change: c.43C>A on transcript NM_018163.3 (MANE Select); coding-DNA position 43, C replaced by A.
Protein change: p.Leu15Met; replaces leucine 15 with methionine.
Molecular consequence: missense variant. On other transcripts: 5 prime UTR variant (3).
Genome position (GRCh38, 1-based): chr15:40,807,404, G>T on the plus strand (C>A on the coding strand, the complement: DNAJC17 is on the minus strand). VCF-style: chr15-40807404-G-T. GRCh37 (hg19) VCF-style: chr15-41099602-G-T.
Other names: c.-186G>T (NM_001077268.2, NM_001258420.2); c.-514G>T (NM_001258421.2); c.116G>T, p.Ser39Ile (NM_032850.5); short protein forms L15M, S39I.
Identifiers: ClinVar variation 4804806 (VCV004804806.1).
Genomic context (GRCh38, chr15:40,807,404, plus strand): 5'-CAGCCTTCCTCGCCACCGTTCTCACCTCTTTGTCCGCTGCCTTCTCCTCAATGCCTAGCA[G>T]CGCGTACAGGTCCATCTGTAAGAGCTCCTTGGTCACTGCCATGGTTCCGGCCTGACGGAT-3'
Protein context (NP_060633.1, residues 5-25): KELLQMDLYA[Leu15Met]LGIEEKAADK